The following is an entry in ClinVar:

NM_003801.4(GPAA1):c.326C>T (p.Ser109Phe)

Gene: GPAA1 (glycosylphosphatidylinositol anchor attachment 1; plus strand). Cytogenetic location: 8q24.3.
Variant type: single nucleotide variant.
Coding change: c.326C>T on transcript NM_003801.4 (MANE Select); coding-DNA position 326, C replaced by T.
Protein change: p.Ser109Phe; replaces serine 109 with phenylalanine.
Molecular consequence: missense variant.
Genome position (GRCh38, 1-based): chr8:144,083,460, C>T. VCF-style: chr8-144083460-C-T. GRCh37 (hg19) VCF-style: chr8-145138363-C-T.
Other names: short protein forms S109F.
Identifiers: ClinVar variation 1958771 (VCV001958771.5), dbSNP rs782047705, ClinGen allele CA372598166.

ClinVar aggregate classification (germline): Uncertain significance (1 of 4 stars; one submission).

gnomAD v4.1: 1 of 1,613,756 alleles (0.000062%); highest among the groups gnomAD compares: East Asian, 0.0022%; no homozygotes.

Submission:

Labcorp Genetics (formerly Invitae), Labcorp
Classification: Uncertain significance. Last evaluated: 2022-06-22. Review status: criteria provided, single submitter. Criteria: Invitae Variant Classification Sherloc (09022015). Collection method: clinical testing. Allele origin: germline.
Comment: This variant is not present in population databases (gnomAD no frequency). This variant has not been reported in the literature in individuals affected with GPAA1-related conditions. This sequence change replaces serine, which is neutral and polar, with phenylalanine, which is neutral and non-polar, at codon 109 of the GPAA1 protein (p.Ser109Phe). Algorithms developed to predict the effect of missense changes on protein structure and function (SIFT, PolyPhen-2, Align-GVGD) all suggest that this variant is likely to be tolerated. In summary, the available evidence is currently insufficient to determine the role of this variant in disease. Therefore, it has been classified as a Variant of Uncertain Significance.